The following is an entry in ClinVar:

ClinVar aggregate classification (germline): Pathogenic (1 of 4 stars; one submission).

Submission:

GeneDx
Classification: Pathogenic. Last evaluated: 2022-10-03. Review status: criteria provided, single submitter. Criteria: GeneDx Variant Classification Process June 2021. Collection method: clinical testing. Allele origin: germline. Affected: yes.
Comment: In silico analysis supports that this missense variant has a deleterious effect on protein structure/function; Not observed at significant frequency in large population cohorts (gnomAD); This variant is associated with the following publications: (PMID: 27683237, 16838304, 17621648)

NM_000141.5(FGFR2):c.1646A>C (p.Asn549Thr)

Gene: FGFR2 (fibroblast growth factor receptor 2; minus strand). Cytogenetic location: 10q26.13.
Variant type: single nucleotide variant.
Coding change: c.1646A>C on transcript NM_000141.5 (MANE Select); coding-DNA position 1646, A replaced by C.
Protein change: p.Asn549Thr; replaces asparagine 549 with threonine.
Molecular consequence: missense variant. On other transcripts: non-coding transcript variant (1).
Genome position (GRCh38, 1-based): chr10:121,498,521, T>G on the plus strand (A>C on the coding strand, the complement: FGFR2 is on the minus strand). VCF-style: chr10-121498521-T-G. GRCh37 (hg19) VCF-style: chr10-123258035-T-G.
Other names: c.1649A>C, p.Asn550Thr (NM_001144913.1, NM_022970.4); c.1310A>C, p.Asn437Thr (NM_001144914.1); c.1379A>C, p.Asn460Thr (NM_001144915.2, NM_023029.3); c.1301A>C, p.Asn434Thr (NM_001144916.2); c.1298A>C, p.Asn433Thr (NM_001144917.2); c.1295A>C, p.Asn432Thr (NM_001144918.2); c.1382A>C, p.Asn461Thr (NM_001144919.2); c.962A>C, p.Asn321Thr (NM_001320654.2); and 1 more; short protein forms N321T, N432T, N433T, N434T, N437T, N460T, N461T, N547T.
Identifiers: ClinVar variation 2446487 (VCV002446487.1), dbSNP rs763017169, ClinGen allele CA378321431.